The following is an entry in ClinVar:

ClinVar aggregate classification (germline): Conflicting classifications of pathogenicity. Review status: criteria provided, conflicting classifications (1 of 4 stars). 5 submissions from 5 submitters: Uncertain significance (1); Likely benign (4). Last evaluated 2025-10-26.

Conditions:
Inborn genetic diseases. Identifiers: MedGen C0950123, MeSH D030342.

Allele frequency attached by ClinVar (database versions not stated): gnomAD exomes 0.00002 and 0.00004; ExAC 0.00003; gnomAD 0.00005; TOPMed 0.00005; ESP Exome Variant Server 0.00023.
gnomAD v4.1: 45 of 1,614,076 alleles (0.0028%); highest among the groups gnomAD compares: South Asian, 0.0066%; no homozygotes.

Submissions (5):

Labcorp Genetics (formerly Invitae), Labcorp
Classification: Likely benign. Last evaluated: 2025-10-26. Review status: criteria provided, single submitter. Criteria: Invitae Variant Classification Sherloc (09022015). Collection method: clinical testing. Allele origin: germline.

Ambry Genetics
Classification: Likely benign for Inborn genetic diseases. Last evaluated: 2024-12-04. Review status: criteria provided, single submitter. Criteria: Ambry Variant Classification Scheme 2023. Collection method: clinical testing. Allele origin: germline.

GeneDx
Classification: Uncertain significance. Last evaluated: 2023-12-03. Review status: criteria provided, single submitter. Criteria: GeneDx Variant Classification Process June 2021. Collection method: clinical testing. Allele origin: germline. Affected: yes.
Comment: In silico analysis supports that this variant does not alter splicing; Has not been previously published as pathogenic or benign to our knowledge

Blueprint Genetics
Classification: Likely benign. Last evaluated: 2023-01-25. Review status: criteria provided, single submitter. Criteria: ACMG Guidelines, 2015. Collection method: clinical testing. Allele origin: germline.

Genetic Services Laboratory, University of Chicago
Classification: Likely benign. Last evaluated: 2021-07-15. Review status: criteria provided, single submitter. Criteria: ACMG Guidelines, 2015. Collection method: clinical testing. Allele origin: germline. Affected: no.

NM_001987.5(ETV6):c.627C>T (p.Ile209=)

Gene: ETV6 (ETS variant transcription factor 6; plus strand). Cytogenetic location: 12p13.2.
Variant type: single nucleotide variant.
Coding change: c.627C>T on transcript NM_001987.5 (MANE Select); coding-DNA position 627, C replaced by T.
Protein change: p.Ile209=; no amino-acid change (isoleucine 209 retained).
Molecular consequence: synonymous variant.
Genome position (GRCh38, 1-based): chr12:11,869,587, C>T. VCF-style: chr12-11869587-C-T. GRCh37 (hg19) VCF-style: chr12-12022521-C-T.
Other names: c.627C>T (NM_001987.4).
Identifiers: ClinVar variation 1338010 (VCV001338010.9), dbSNP rs376163010, ClinGen allele CA6454305.
Genomic context (GRCh38, chr12:11,869,587, plus strand): 5'-TCACCGGCCTTCTCCTGACCCCGAGCAGCGGCCCCTCCGGTCCCCCCTGGACAACATGAT[C>T]CGCCGCCTCTCCCCGGCTGAGAGAGCTCAGGGACCCAGGCCGCACCAGGAGAACAACCAC-3'
Protein context (NP_001978.1, residues 199-219): RPLRSPLDNM[Ile209=]RRLSPAERAQ